The following is an entry in ClinVar:

NM_005654.6(NR2F1):c.497C>T (p.Pro166Leu)

Gene: NR2F1 (nuclear receptor subfamily 2 group F member 1; plus strand). Cytogenetic location: 5q15.
Variant type: single nucleotide variant.
Coding change: c.497C>T on transcript NM_005654.6 (MANE Select); coding-DNA position 497, C replaced by T.
Protein change: p.Pro166Leu; replaces proline 166 with leucine.
Molecular consequence: missense variant.
Genome position (GRCh38, 1-based): chr5:93,587,950, C>T. VCF-style: chr5-93587950-C-T. GRCh37 (hg19) VCF-style: chr5-92923656-C-T.
Other names: short protein forms P166L.
Identifiers: ClinVar variation 1320275 (VCV001320275.1), dbSNP rs1753260850, ClinGen allele CA360526440.

ClinVar aggregate classification (germline): Likely pathogenic (1 of 4 stars; one submission).

Conditions:
Bosch-Boonstra-Schaaf optic atrophy syndrome (BBSOAS). Also called: NR2F1-Related Neurodevelopmental Disorder. Identifiers: Orphanet 401777, MedGen C3810363, MONDO:0014320, OMIM 615722.

Submission:

3billion
Classification: Likely pathogenic for Bosch-Boonstra-Schaaf optic atrophy syndrome. Last evaluated: 2021-10-02. Review status: criteria provided, single submitter. Criteria: ACMG Guidelines, 2015. Collection method: clinical testing. Allele origin: germline. Affected: yes. Observed: 1 heterozygote.
Comment: It is not observed in the gnomAD v2.1.1 dataset (PM2). The variant was observed as assumed (i.e. paternity and maternity not confirmed) de novoo (3billion dataset, PM6).Missense changes are a common disease-causing mechanism (PP2). Patient's phenotype is considered compatible with Bosch-Boonstra-Schaaf optic atrophy syndrome (3billion dataset, PP4). Therefore, this variant is classified as likely pathogenic according to the recommendation of ACMG/AMP guideline.